The following is an entry in ClinVar:

ClinVar aggregate classification (germline): Conflicting classifications of pathogenicity. Review status: criteria provided, conflicting classifications (1 of 4 stars). 2 submissions from 2 submitters: Uncertain significance (1); Likely benign (1). Last evaluated 2025-10-27.

Conditions:
Nemaline myopathy 2 (NEM2). Also called: Nemaline myopathy 2, autosomal recessive. Identifiers: MedGen C1850569, MONDO:0009725, OMIM 256030.

Allele frequency attached by ClinVar (database versions not stated): gnomAD exomes 0.00001 and 0.00002; TOPMed 0.00001; ExAC 0.00002; gnomAD 0.00002.
gnomAD v4.1: 17 of 1,496,034 alleles (0.0011%); highest among the groups gnomAD compares: East Asian, 0.005%; no homozygotes.

Submissions (2):

Labcorp Genetics (formerly Invitae), Labcorp
Classification: Likely benign for Nemaline myopathy 2. Last evaluated: 2025-10-27. Review status: criteria provided, single submitter. Criteria: Invitae Variant Classification Sherloc (09022015). Collection method: clinical testing. Allele origin: germline.

GeneDx
Classification: Uncertain significance. Last evaluated: 2021-10-12. Review status: criteria provided, single submitter. Criteria: GeneDx Variant Classification Process June 2021. Collection method: clinical testing. Allele origin: germline. Affected: yes.
Comment: Not observed at significant frequency in large population cohorts (gnomAD); In silico analysis supports that this missense variant does not alter protein structure/function; In-silico analysis, which includes splice predictors and evolutionary conservation, is inconclusive as to whether the variant alters gene splicing. In the absence of RNA/functional studies, the actual effect of this sequence change is unknown.; Has not been previously published as pathogenic or benign to our knowledge

NM_001164508.2(NEB):c.22276G>A (p.Ala7426Thr)

Genes: NEB (nebulin; minus strand), RIF1 (replication timing regulatory factor 1; plus strand). Cytogenetic location: 2q23.3.
Variant type: single nucleotide variant.
Coding change: c.22276G>A on transcript NM_001164508.2 (MANE Select); coding-DNA position 22276, G replaced by A.
Protein change: p.Ala7426Thr; replaces alanine 7426 with threonine.
Molecular consequence: missense variant.
Genome position (GRCh38, 1-based): chr2:151,524,613, C>T on the plus strand (G>A on the coding strand, the complement: NEB is on the minus strand). VCF-style: chr2-151524613-C-T. GRCh37 (hg19) VCF-style: chr2-152381127-C-T.
Other names: c.22276G>A, p.Ala7426Thr (NM_001164507.2); c.22381G>A, p.Ala7461Thr (NM_001271208.2); c.17173G>A, p.Ala5725Thr (NM_004543.5); short protein forms A5725T, A7426T, A7461T.
Identifiers: ClinVar variation 1676901 (VCV001676901.7), dbSNP rs765921628, ClinGen allele CA1906691.